The following is an entry in ClinVar:

NM_000199.5(SGSH):c.47_48del (p.Gly16fs)

Gene: SGSH (N-sulfoglucosamine sulfohydrolase; minus strand). Cytogenetic location: 17q25.3.
Variant type: Deletion.
Coding change: c.47_48del on transcript NM_000199.5 (MANE Select); coding-DNA positions 47 to 48, 2 bases deleted (GG; older notation c.47_48delGG).
Protein change: p.Gly16fs; shifts the reading frame from glycine 16.
Molecular consequence: frameshift variant. On other transcripts: non-coding transcript variant (1).
Genome position (GRCh38, 1-based): chr17:80,220,266-80,220,267, CC deleted on the plus strand (GG on the coding strand, the reverse complement: SGSH is on the minus strand); deleting any 2 consecutive bases within chr17:80,220,266-80,220,269 gives the same sequence; the c. name uses the placement nearest the transcript's 3' end. VCF-style (leftmost placement, unchanged base first): chr17-80220265-GCC-G. GRCh37 (hg19) VCF-style: chr17-78194064-GCC-G.
Other names: c.47_48del, p.Gly16fs (NM_001352921.3, NM_001352922.2); short protein forms G16fs.
Identifiers: ClinVar variation 1724870 (VCV001724870.2), dbSNP rs2510930388, ClinGen allele CA2580095279.

ClinVar aggregate classification (germline): Likely pathogenic (1 of 4 stars; one submission).

Conditions:
Mucopolysaccharidosis, MPS-III-A (MPS3A). Also called: Mucopolysaccharidosis type IIIA (Sanfilippo A); HEPARAN SULFATE SULFATASE DEFICIENCY; SANFILIPPO SYNDROME A; SULFAMIDASE DEFICIENCY; MPS III A; MUCOPOLYSACCHARIDOSIS, TYPE IIIA, ATTENUATED. Identifiers: Orphanet 581, Orphanet 79269, MedGen C0086647, MONDO:0009655, OMIM 252900.

Submission:

Myriad Genetics, Inc.
Classification: Likely pathogenic for Mucopolysaccharidosis, MPS-III-A. Last evaluated: 2022-03-02. Review status: criteria provided, single submitter. Criteria: Myriad Women's Health Autosomal Recessive and X-Linked Classification Criteria (2021). Collection method: clinical testing. Allele origin: unknown.
Comment: NM_000199.3(SGSH):c.47_48delGG(G16Afs*16) is expected to be pathogenic in the context of mucopolysaccharidosis type IIIA. This variant is predicted to lead to an abnormal or absent protein product due to the creation of a premature termination codon in SGSH, a gene where loss-of-function variants are known to be pathogenic. Please note: this variant was assessed in the context of healthy population screening.